The following is an entry in ClinVar:

NM_001174147.2(LMX1B):c.856G>A (p.Glu286Lys)

Gene: LMX1B (LIM homeobox transcription factor 1 beta; plus strand). Cytogenetic location: 9q33.3.
Variant type: single nucleotide variant.
Coding change: c.856G>A on transcript NM_001174147.2 (MANE Select); coding-DNA position 856, G replaced by A.
Protein change: p.Glu286Lys; replaces glutamic acid 286 with lysine.
Molecular consequence: missense variant.
Genome position (GRCh38, 1-based): chr9:126,693,782, G>A. VCF-style: chr9-126693782-G-A. GRCh37 (hg19) VCF-style: chr9-129456061-G-A.
Other names: c.856G>A, p.Glu286Lys (NM_001174146.2, NM_002316.4); short protein forms E286K.
Identifiers: ClinVar variation 1973561 (VCV001973561.5), dbSNP rs1294721879, ClinGen allele CA374914069.
Genomic context (GRCh38, chr9:126,693,782, plus strand): 5'-GCCTGAACTGCGCTCTCCCTGCAGATGAAGAAGCTGGCGCGGCGGCACCAGCAGCAGCAG[G>A]AGCAGCAGAACTCCCAGCGGCTGGGCCAGGGTGAGCCGGGGCCGGGGCAGGGCCTGGGCC-3'
Protein context (NP_001167618.1, residues 276-296): KLARRHQQQQ[Glu286Lys]QQNSQRLGQE

ClinVar aggregate classification (germline): Uncertain significance (1 of 4 stars; one submission).

gnomAD v4.1: 4 of 1,471,072 alleles (0.00027%); highest among the groups gnomAD compares: Non-Finnish European, 0.00037%; no homozygotes.

Submission:

Labcorp Genetics (formerly Invitae), Labcorp
Classification: Uncertain significance. Last evaluated: 2022-08-27. Review status: criteria provided, single submitter. Criteria: Invitae Variant Classification Sherloc (09022015). Collection method: clinical testing. Allele origin: germline.
Comment: In summary, the available evidence is currently insufficient to determine the role of this variant in disease. Therefore, it has been classified as a Variant of Uncertain Significance. Algorithms developed to predict the effect of missense changes on protein structure and function are either unavailable or do not agree on the potential impact of this missense change (SIFT: "Deleterious"; PolyPhen-2: "Benign"; Align-GVGD: "Class C0"). This variant has not been reported in the literature in individuals affected with LMX1B-related conditions. This variant is not present in population databases (gnomAD no frequency). This sequence change replaces glutamic acid, which is acidic and polar, with lysine, which is basic and polar, at codon 286 of the LMX1B protein (p.Glu286Lys).